The following is an entry in ClinVar:

NM_030665.4(RAI1):c.2210C>T (p.Ser737Leu)

Gene: RAI1 (retinoic acid induced 1; plus strand). Cytogenetic location: 17p11.2.
Variant type: single nucleotide variant.
Coding change: c.2210C>T on transcript NM_030665.4 (MANE Select); coding-DNA position 2210, C replaced by T.
Protein change: p.Ser737Leu; replaces serine 737 with leucine.
Molecular consequence: missense variant.
Genome position (GRCh38, 1-based): chr17:17,795,158, C>T. VCF-style: chr17-17795158-C-T. GRCh37 (hg19) VCF-style: chr17-17698472-C-T.
Other names: short protein forms S737L.
Identifiers: ClinVar variation 1313986 (VCV001313986.2), dbSNP rs755230504, ClinGen allele CA8418489.
Genomic context (GRCh38, chr17:17,795,158, plus strand): 5'-CTGCTCCAGACCCCACTACAGCAGCTTTTGACTGTTTCCCGGACACAACCGCTGCCAGCT[C>T]AGCGGACAGCGCCAACCCCTTTGCCTGGCCAGAGGAAAACCTGGGGGATGCTTGTCCCAG-3'
Protein context (NP_109590.3, residues 727-747): DCFPDTTAAS[Ser737Leu]ADSANPFAWP

ClinVar aggregate classification (germline): Uncertain significance (1 of 4 stars; one submission).

Allele frequency attached by ClinVar (database versions not stated): gnomAD exomes below 0.00001 and 0.00001; ExAC 0.00001.
gnomAD v4.1: 4 of 1,614,054 alleles (0.00025%); highest among the groups gnomAD compares: South Asian, 0.0011%; no homozygotes.

Submission:

GeneDx
Classification: Uncertain significance. Last evaluated: 2021-01-13. Review status: criteria provided, single submitter. Criteria: GeneDx Variant Classification Process June 2021. Collection method: clinical testing. Allele origin: germline. Affected: yes.
Comment: In silico analysis supports that this missense variant has a deleterious effect on protein structure/function; Has not been previously published as pathogenic or benign to our knowledge